The following is an entry in ClinVar:

ClinVar aggregate classification (germline): Uncertain significance (1 of 4 stars; one submission).

Submission:

Labcorp Genetics (formerly Invitae), Labcorp
Classification: Uncertain significance. Last evaluated: 2022-07-12. Review status: criteria provided, single submitter. Criteria: Invitae Variant Classification Sherloc (09022015). Collection method: clinical testing. Allele origin: germline.
Comment: In summary, the available evidence is currently insufficient to determine the role of this variant in disease. Therefore, it has been classified as a Variant of Uncertain Significance. Algorithms developed to predict the effect of missense changes on protein structure and function are either unavailable or do not agree on the potential impact of this missense change (SIFT: "Deleterious"; PolyPhen-2: "Possibly Damaging"; Align-GVGD: "Class C0"). ClinVar contains an entry for this variant (Variation ID: 1501258). This variant has not been reported in the literature in individuals affected with CCDC88A-related conditions. This variant is not present in population databases (gnomAD no frequency). This sequence change replaces lysine, which is basic and polar, with isoleucine, which is neutral and non-polar, at codon 1724 of the CCDC88A protein (p.Lys1724Ile).

NM_001365480.1(CCDC88A):c.5174A>T (p.Lys1725Ile)

Gene: CCDC88A (coiled-coil and HOOK domain protein 88A; minus strand). Cytogenetic location: 2p16.1.
Variant type: single nucleotide variant.
Coding change: c.5174A>T on transcript NM_001365480.1 (MANE Select); coding-DNA position 5174, A replaced by T.
Protein change: p.Lys1725Ile; replaces lysine 1725 with isoleucine.
Molecular consequence: missense variant.
Genome position (GRCh38, 1-based): chr2:55,295,974, T>A on the plus strand (A>T on the coding strand, the complement: CCDC88A is on the minus strand). VCF-style: chr2-55295974-T-A. GRCh37 (hg19) VCF-style: chr2-55523110-T-A.
Other names: c.5171A>T, p.Lys1724Ile (NM_001135597.2, NM_001254943.2); c.5090A>T, p.Lys1697Ile (NM_018084.5); short protein forms K1697I, K1724I, K1725I.
Identifiers: ClinVar variation 1501258 (VCV001501258.8), dbSNP rs2104550287, ClinGen allele CA346912042.